The following is an entry in ClinVar:

ClinVar aggregate classification (germline): Conflicting classifications of pathogenicity. Review status: criteria provided, conflicting classifications (1 of 4 stars). 15 submissions from 13 submitters: Pathogenic (2); Likely pathogenic (7); Uncertain significance (5). 1 of the submissions does not count toward it. Last evaluated 2026-03-19.

Conditions:
Atypical hemolytic-uremic syndrome. Identifiers: Orphanet 2134, MedGen C2931788, MONDO:0016244.
C3 glomerulonephritis. Also called: C3 GLOMERULOPATHY 3; Nephropathy due to CFHR5 Deficiency. Identifiers: Orphanet 329931, MedGen C4055342, MONDO:0013892, OMIM 614809.
C3-related disorder. Also called: C3-related condition.
C3-related disorders.
Atypical hemolytic-uremic syndrome with C3 anomaly. Also called: AHUS, SUSCEPTIBILITY TO, 5. Identifiers: Orphanet 2134, MedGen C2752037, MONDO:0013043, OMIM 612925.
Complement component 3 deficiency. Identifiers: Orphanet 280133, MedGen C3151071, MONDO:0013417, OMIM 613779.
Age related macular degeneration 9. Identifiers: MedGen C1969651, MONDO:0012659, OMIM 611378.

Allele frequency attached by ClinVar (database versions not stated): gnomAD exomes 0.00015; gnomAD 0.00005; ExAC 0.00006; TOPMed 0.00012.
gnomAD v4.1: 237 of 1,613,908 alleles (0.015%); highest among the groups gnomAD compares: Non-Finnish European, 0.018%; no homozygotes.

Submissions 1 to 9 of 15:

PreventionGenetics, part of Exact Sciences
Classification: Likely pathogenic for C3-related condition. Last evaluated: 2026-03-19. Review status: criteria provided, single submitter. Criteria: ACMG Guidelines, 2015. Collection method: clinical testing. Allele origin: germline.
Comment: The C3 c.193A>C variant is predicted to result in the amino acid substitution p.Lys65Gln. This variant has been reported in patients with atypical hemolytic uremic syndrome 5 (Volokhina et al. 2012. PubMed ID: 22669319, Fidalgo et al. 2017. PubMed ID: 30046676, Ardissino et al. 2021. PubMed ID: 34169201). In vitro functional studies suggest that this variant is deleterious (Volokhina et al. 2012. PubMed ID: 22669319, Schramm et al. 2015. PubMed ID: 25608561). This variant is reported in 0.0088% of alleles in individuals of European (Non-Finnish) descent in gnomAD. This variant is interpreted as likely pathogenic.

Victorian Clinical Genetics Services, Murdoch Childrens Research Institute
Classification: Pathogenic for Atypical hemolytic-uremic syndrome with C3 anomaly. Last evaluated: 2025-10-30. Review status: criteria provided, single submitter. Criteria: ACMG Guidelines, 2015. Collection method: clinical testing. Allele origin: germline. Affected: yes.
Comment: This variant is classified as Risk allele. Evidence in support of pathogenic classification: Variant is present in gnomAD <0.01 (v4: 237 heterozygote(s), 0 homozygote(s)); This variant has strong previous evidence of pathogenicity in unrelated individuals. This variant has been classified as likely pathogenic/pathogenic and as a VUS by clinical laboratories in ClinVar, and identified in the literature in individuals with atypical haemolytic-uraemic syndrome (PMIDs: 22669319, 32765494, 37744338); This variant has moderate functional evidence supporting abnormal protein function. In vitro analysis using an ELISA assay has shown this variant results in a significant decrease in complement factor H binding compared to wildtype (PMID: 22669319). Additional information: Variant is predicted to result in a missense amino acid change from lysine to glutamine; This variant is heterozygous; This gene is associated with both recessive and dominant disease. Missense variants with a gain of function or possible loss of function disease mechanism have been reported in a heterozygous state in individuals with atypical haemolytic-uraemic syndrome and/or age-related macular degeneration, whereas heterozygous null variants have been rarely reported in individuals with atypical haemolytic-uraemic syndrome (PMID: 18796626, 29888403). Individuals with biallelic null variants have C3 deficiency (PMID: 21501302); Alternative amino acid change(s) at the same position are present in gnomAD (highest allele count: v4: 1 heterozygote(s), 0 homozygote(s)); Variant is located in the annotated macroglobulin domain (DECIPHER); Missense variant with inconclusive in silico prediction and uninformative conservation; Loss of function and gain of function are known mechanisms of disease in this gene and are associated with C3 deficiency (MIM#613779), susceptibility to atypical hemolytic uraemic syndrome 5 (MIM#612925), and age-related macular degeneration 9 (MIM#611378) (PMID: 27814381, 18796626); The condition associated with this gene has incomplete penetrance. Heterozygous variants causing atypical haemolytic-uraemic syndrome are commonly inherited from healthy parents (PMID: 18796626); Inheritance information for this variant is not currently available in this individual.

Genomenon, Inc
Classification: Uncertain significance for C3 glomerulonephritis; Atypical hemolytic-uremic syndrome. Last evaluated: 2025-09-30. Review status: criteria provided, single submitter. Criteria: Genomenon Sequence Variant Interpretation Standards. Collection method: curation. Allele origin: germline. Affected: yes.
Comment: C3 p.Lys65Gln (c.193A>C) is a missense variant that changes the amino acid at residue 65 from Lysine to Glutamine. This variant has been observed in at least one proband affected with a C3-related disorder (PMID:22669319;28941939;33841858;33609329;30659006). Functional studies have been reported; however, the significance of the findings remain unclear (PMID:22669319;25608561). It is absent or not present at a significant frequency in gnomAD. In silico models agree that this variant is possibly or probably damaging. In conclusion, we classify C3 p.Lys65Gln (c.193A>C) as a variant of unknown significance.

Mayo Clinic Laboratories, Mayo Clinic
Classification: Pathogenic. Last evaluated: 2025-05-12. Review status: criteria provided, single submitter. Criteria: ACMG Guidelines, 2015. Collection method: clinical testing. Allele origin: germline. Observed: 7 variant alleles.
Comment: PP3, PS3, PS4

Labcorp Genetics (formerly Invitae), Labcorp
Classification: Uncertain significance. Last evaluated: 2025-03-27. Review status: criteria provided, single submitter. Criteria: Invitae Variant Classification Sherloc (09022015). Collection method: clinical testing. Allele origin: germline.
Comment: This sequence change replaces lysine, which is basic and polar, with glutamine, which is neutral and polar, at codon 65 of the C3 protein (p.Lys65Gln). This variant is present in population databases (rs539992721, gnomAD 0.009%). This missense change has been observed in individuals with atypical hemolytic uremic syndrome (PMID: 22669319, 25608561, 30046676, 33609329, 35372954). This variant is also known as K43Q. ClinVar contains an entry for this variant (Variation ID: 381739). Invitae Evidence Modeling of protein sequence and biophysical properties (such as structural, functional, and spatial information, amino acid conservation, physicochemical variation, residue mobility, and thermodynamic stability) indicates that this missense variant is not expected to disrupt C3 protein function with a negative predictive value of 80%. Experimental studies have shown that this missense change affects C3 function (PMID: 22669319, 25608561). In summary, the available evidence is currently insufficient to determine the role of this variant in disease. Therefore, it has been classified as a Variant of Uncertain Significance.

Center for Genomic Medicine, Rigshospitalet, Copenhagen University Hospital
Classification: Uncertain significance. Last evaluated: 2025-03-04. Review status: criteria provided, single submitter. Criteria: ACMG Guidelines, 2015. Collection method: clinical testing. Allele origin: germline.

Women's Health and Genetics/Laboratory Corporation of America, LabCorp
Classification: Uncertain significance. Last evaluated: 2025-02-24. Review status: criteria provided, single submitter. Criteria: LabCorp Variant Classification Summary - May 2015. Collection method: clinical testing. Allele origin: germline.
Comment: Variant summary: C3 c.193A>C (p.Lys65Gln) results in a conservative amino acid change located in the MG2 domain of the encoded protein sequence. Four of five in-silico tools predict a damaging effect of the variant on protein function. The variant allele was found at a frequency of 4.8e-05 in 251474 control chromosomes. This frequency is not significantly higher than estimated for a pathogenic variant in C3 causing C3 Deficiency (4.8e-05 vs 0.0011), allowing no conclusion about variant significance. c.193A>C has been reported in the literature in multiple heterozygous individuals affected with atypical Haemolytic uraemic syndrome without strong evidence of segregation (examples: Volokhina_2012, Duvvari_2014, Fidalgo_2017, Wilson_2020, Akesson_2021, Ardissino_2021). These report(s) do not provide unequivocal conclusions about association of the variant with C3 Deficiency. At least one publication reports experimental evidence evaluating an impact on protein function, however, does not allow convincing conclusions about the variant effect (Volokhina_2012). The following publications have been ascertained in the context of this evaluation (PMID: 22669319, 24736606, 30046676, 35372954, 33609329, : 34169201). ClinVar contains an entry for this variant (Variation ID: 381739). Based on the evidence outlined above, the variant was classified as uncertain significance.

Blueprint Genetics
Classification: Likely pathogenic for C3-related disorders. Last evaluated: 2024-06-24. Review status: criteria provided, single submitter. Criteria: ACMG Guidelines, 2015. Collection method: clinical testing. Allele origin: germline. Affected: yes. Observed: 5 variant alleles.

Fulgent Genetics
Classification: Likely pathogenic for Age related macular degeneration 9; Atypical hemolytic-uremic syndrome with C3 anomaly; Complement component 3 deficiency. Last evaluated: 2024-05-15. Review status: criteria provided, single submitter. Criteria: ACMG Guidelines, 2015. Collection method: clinical testing. Allele origin: germline.

NM_000064.4(C3):c.193A>C (p.Lys65Gln)

Gene: C3 (complement C3; minus strand). Cytogenetic location: 19p13.3.
Variant type: single nucleotide variant.
Coding change: c.193A>C on transcript NM_000064.4 (MANE Select); coding-DNA position 193, A replaced by C.
Protein change: p.Lys65Gln; replaces lysine 65 with glutamine.
Molecular consequence: missense variant.
Genome position (GRCh38, 1-based): chr19:6,719,285, T>G on the plus strand (A>C on the coding strand, the complement: C3 is on the minus strand). VCF-style: chr19-6719285-T-G. GRCh37 (hg19) VCF-style: chr19-6719296-T-G.
Other names: p.Lys65Gln; short protein forms K65Q.
Identifiers: ClinVar variation 381739 (VCV000381739.27), dbSNP rs539992721, ClinGen allele CA9129883.